The following is an entry in ClinVar:

NM_032043.3(BRIP1):c.942del (p.His314fs)

Gene: BRIP1 (BRCA1 interacting DNA helicase 1; minus strand). Cytogenetic location: 17q23.2.
Variant type: Deletion.
Coding change: c.942del on transcript NM_032043.3 (MANE Select); coding-DNA position 942, one base deleted (T; older notation c.942delT).
Protein change: p.His314fs; shifts the reading frame from histidine 314.
Molecular consequence: frameshift variant.
Genome position (GRCh38, 1-based): chr17:61,801,451, A deleted on the plus strand (T on the coding strand, the reverse complement: BRIP1 is on the minus strand). VCF-style (leftmost placement, unchanged base first): chr17-61801450-CA-C. GRCh37 (hg19) VCF-style: chr17-59878811-CA-C.
Other names: c.942delT (NM_032043.2); short protein forms H314fs.
Identifiers: ClinVar variation 927323 (VCV000927323.7), dbSNP rs2077993152, ClinGen allele CA913187833.

ClinVar aggregate classification (germline): Pathogenic/Likely pathogenic. Review status: criteria provided, multiple submitters, no conflicts (2 of 4 stars). 3 submissions from 3 submitters: Pathogenic (2); Likely pathogenic (1). Last evaluated 2023-06-01.

Conditions:
Hereditary cancer-predisposing syndrome. Also called: Neoplastic Syndromes, Hereditary; Hereditary Cancer Syndrome; Tumor predisposition; Hereditary neoplastic syndrome. Identifiers: Orphanet 140162, MedGen C0027672, MeSH D009386, MONDO:0015356.
Familial cancer of breast. Also called: Hereditary breast cancer; BREAST CANCER, FAMILIAL; hereditary breast carcinoma. Identifiers: Orphanet 227535, MedGen C0346153, MONDO:0016419, OMIM 114480. Disease mechanism: loss of function.

Submissions (3):

Myriad Genetics, Inc.
Classification: Pathogenic for Familial cancer of breast. Last evaluated: 2023-06-01. Review status: criteria provided, single submitter. Criteria: Myriad Autosomal Dominant, Autosomal Recessive and X-Linked Classification Criteria (2023). Collection method: clinical testing. Allele origin: unknown.
Comment: This variant is considered pathogenic. This variant creates a frameshift predicted to result in premature protein truncation.

Color Diagnostics, LLC DBA Color Health
Classification: Likely pathogenic for Hereditary cancer-predisposing syndrome. Last evaluated: 2020-01-15. Review status: criteria provided, single submitter. Criteria: ACMG Guidelines, 2015. Collection method: clinical testing. Allele origin: germline.
Comment: This variant deletes 1 nucleotide in exon 8 of the BRIP1 gene, creating a frameshift and premature translation stop signal. This variant is expected to result in an absent or non-functional protein product. This variant has not been identified in the general population by the Genome Aggregation Database (gnomAD). Loss of BRIP1 function is a known mechanism of disease. Based on the available evidence, this variant is classified as Likely Pathogenic.

Ambry Genetics
Classification: Pathogenic for Hereditary cancer-predisposing syndrome. Last evaluated: 2020-01-08. Review status: criteria provided, single submitter. Criteria: Ambry Variant Classification Scheme 2023. Collection method: clinical testing. Allele origin: germline.
Comment: The c.942delT pathogenic mutation, located in coding exon 7 of the BRIP1 gene, results from a deletion of one nucleotide at nucleotide position 942, causing a translational frameshift with a predicted alternate stop codon (p.H314Qfs*24). This alteration is expected to result in loss of function by premature protein truncation or nonsense-mediated mRNA decay. As such, this alteration is interpreted as a disease-causing mutation.